The following is an entry in ClinVar:

ClinVar aggregate classification (germline): Conflicting classifications of pathogenicity. Review status: criteria provided, conflicting classifications (1 of 4 stars). 15 submissions from 15 submitters: Uncertain significance (3); Likely benign (10). 2 of the submissions do not count toward it. Last evaluated 2026-01-19.

Conditions:
RYR2-related disorder. Also called: RYR2-related condition.
Cardiovascular phenotype. Identifiers: MedGen CN230736.
Catecholaminergic polymorphic ventricular tachycardia 1. Also called: VENTRICULAR TACHYCARDIA, STRESS-INDUCED POLYMORPHIC 1; RYR2-Related Catecholaminergic Polymorphic Ventricular Tachycardia; VENTRICULAR TACHYCARDIA, CATECHOLAMINERGIC POLYMORPHIC, 1, WITH OR WITHOUT ATRIAL DYSFUNCTION AND/OR DILATED CARDIOMYOPATHY. Identifiers: Orphanet 3286, MedGen C1631597, MONDO:0011484, OMIM 604772.
Cardiomyopathy (CMYO). Also called: Cardiomyopathies. Identifiers: Orphanet 167848, MedGen C0878544, MONDO:0004994, HP:0001638. Inheritance: Various modes of inheritance.
Death in infancy. Identifiers: MedGen C1858430, HP:0001522.

Allele frequency attached by ClinVar (database versions not stated): ExAC 0.00032; ESP Exome Variant Server 0.00040; gnomAD exomes 0.00042 and 0.00079; gnomAD 0.00051 and 0.00054; TOPMed 0.00054.
gnomAD v4.1: 1,272 of 1,613,804 alleles (0.079%); highest among the groups gnomAD compares: Non-Finnish European, 0.093%; 1 homozygote.

Submissions (15):

Women's Health and Genetics/Laboratory Corporation of America, LabCorp
Classification: Likely benign. Last evaluated: 2026-01-19. Review status: criteria provided, single submitter. Criteria: LabCorp Variant Classification Summary - May 2015. Collection method: clinical testing. Allele origin: germline.
Comment: Variant summary: RYR2 c.3320C>T (p.Thr1107Met) results in a non-conservative amino acid change located in the Ryanodine receptor, SPRY domain 2 & B30.2/SPRY domain of the encoded protein sequence. Algorithms developed to predict the effect of missense changes on protein structure and function are either unavailable or do not agree on the potential impact of this missense change. The variant allele was found at a frequency of 0.00042 in 249172 control chromosomes, predominantly at a frequency of 0.00085 within the South Asian subpopulation in the gnomAD database. The observed variant frequency within South Asian control individuals in the gnomAD database exceeds the estimated maximal expected allele frequency for disease-causing variants in RYR2. c.3320C>T has been reported in the literature in individuals affected with Arrhythmia and other cardiopathologies (example: Fujino_2006, Tester_2012, Medeiros-Domingo_2009, Ghazani_2017, Landstrom_2017, Methner_2016, Rangaraju_2018, Roston_2018, Stavropoulos_2016). These reports do not provide unequivocal conclusions about association of the variant with Arrhythmia. Co-occurrences with other pathogenic variants have been reported (KCNH2 c.2398+5G>T; CASQ2 IVS5+1G>C (c.606+1G>C); MYH7 c.1447G>A/p.E483K) (Roston_2018, Tester_2012, Internal database), providing supporting evidence for a benign role. At least one publication reports experimental evidence evaluating an impact on protein function (example: Tang_2012). ClinVar contains an entry for this variant (Variation ID: 43768). Based on the evidence outlined above, the variant was classified as likely benign.

Labcorp Genetics (formerly Invitae), Labcorp
Classification: Likely benign for Catecholaminergic polymorphic ventricular tachycardia 1. Last evaluated: 2025-12-24. Review status: criteria provided, single submitter. Criteria: Invitae Variant Classification Sherloc (09022015). Collection method: clinical testing. Allele origin: germline.

Molecular Diagnostic Laboratory for Inherited Cardiovascular Disease, Montreal Heart Institute
Classification: Uncertain significance for Cardiovascular phenotype. Last evaluated: 2025-04-09. Review status: criteria provided, single submitter. Criteria: ACMG Guidelines, 2015. Collection method: clinical testing. Allele origin: germline. Affected: yes.

Blueprint Genetics
Classification: Likely benign. Last evaluated: 2024-06-10. Review status: criteria provided, single submitter. Criteria: ACMG Guidelines, 2015. Collection method: clinical testing. Allele origin: germline.

CeGaT Center for Human Genetics Tuebingen
Classification: Likely benign. Last evaluated: 2024-03-01. Review status: criteria provided, single submitter. Criteria: CeGaT Center For Human Genetics Tuebingen Variant Classification Criteria Version 2. Collection method: clinical testing. Allele origin: germline. Affected: yes. Observed: 2 variant alleles.
Comment: RYR2: BP4

Revvity Omics, Revvity
Classification: Likely benign. Last evaluated: 2023-09-07. Review status: criteria provided, single submitter. Criteria: ACMG Guidelines, 2015. Collection method: clinical testing. Allele origin: germline.

ARUP Laboratories, Molecular Genetics and Genomics, ARUP Laboratories
Classification: Likely benign. Last evaluated: 2022-04-21. Review status: criteria provided, single submitter. Criteria: ARUP Molecular Germline Variant Investigation Process 2021. Collection method: clinical testing. Allele origin: germline.

Ambry Genetics
Classification: Likely benign for Cardiovascular phenotype. Last evaluated: 2021-06-10. Review status: criteria provided, single submitter. Criteria: Ambry Variant Classification Scheme 2023. Collection method: clinical testing. Allele origin: germline.

GeneDx
Classification: Likely benign. Last evaluated: 2020-12-16. Review status: criteria provided, single submitter. Criteria: GeneDx Variant Classification Process June 2021. Collection method: clinical testing. Allele origin: germline. Affected: yes.
Comment: This variant is associated with the following publications: (PMID: 23861362, 27538377, 27435932, 22374134, 19926015, 24025405, 20157052, 22677073, 26573135, 25370123, 28404607, 28567303, 30403697, 29396286)

Color Diagnostics, LLC DBA Color Health
Classification: Likely benign for Cardiomyopathy. Last evaluated: 2019-11-05. Review status: criteria provided, single submitter. Criteria: ACMG Guidelines, 2015. Collection method: clinical testing. Allele origin: germline.

Laboratory for Molecular Medicine, Mass General Brigham Personalized Medicine
Classification: Uncertain significance. Last evaluated: 2019-01-25. Review status: criteria provided, single submitter. Criteria: LMM Criteria. Collection method: clinical testing. Allele origin: germline. Observed: 1 variant allele.
Comment: Variant classified as Uncertain Significance - Favor Benign. The p.Thr1107Met variant in RYR2 has been reported in an individual with CVPT, a case of SIDS, a Japanese family with HCM, an individual with DCM, and as a secondary finding in an individual with oculocutaneous albinism without mention of cardiac phenotype (Medeiros-Domingo et al 2009, Methner et al. 2016, Stavropolous et al. 2017, Noboru et al. 2006 (abstract only), LMM data). It has been reported in ClinVar (Variation ID #43768). In vitro functional studies provide some evidence that the p.Thr1107Met variant may impact protein function (Tang et al. 2012). However, these types of assays may not accurately represent biological function. This variant has been identified in 79/126600 of European chromosomes by the genome Aggregation Database (gnomAD; dbSNP rs200236750). Threonine (Thr) at position 1107 is not conserved in mammals or evolutionarily distant species, raising the possibility that a change at this position may be tolerated. Additional computational prediction tools suggest that this variant may not impact the protein, though this information is not predictive enough to rule out pathogenicity. In summary, due to conflicting data, the clinical significance of the p.Thr1107Met variant is uncertain.

Stanford Center for Inherited Cardiovascular Disease, Stanford University
Classification: Uncertain significance. Last evaluated: 2018-02-02. Review status: criteria provided, single submitter. Criteria: ACMG Guidelines, 2015. Collection method: provider interpretation. Allele origin: germline.

Biesecker Lab/Clinical Genomics Section, National Institutes of Health
Classification: Likely benign for Catecholaminergic polymorphic ventricular tachycardia. Last evaluated: 2013-06-24. Review status: criteria provided, single submitter. Criteria: Ng et al. (Circ Cardiovasc Genet. 2013). Collection method: research. Allele origin: unknown. Observed: 1 variant allele. Study: ClinSeq.
Comment: The study set was not selected for affection status in relation to any cancer. HGMD phenotype assertion is uncertain. Pathogenicity categories were based on literature curation. See Pubmed ID:23861362 for details.

Medical sequencing

PreventionGenetics, part of Exact Sciences
Classification: Likely benign for RYR2-related condition. Last evaluated: 2023-09-10. Review status: no assertion criteria provided. Collection method: clinical testing. Allele origin: germline. Not counted in ClinVar's aggregate classification.
Comment: This variant is classified as likely benign based on ACMG/AMP sequence variant interpretation guidelines (Richards et al. 2015 PMID: 25741868, with internal and published modifications).

Forensic Genetics Laboratory, Harris County Institute of Forensic Sciences
Classification: Pathogenic for Death in infancy. Last evaluated: 2015-03-27. Review status: no assertion criteria provided. Collection method: clinical testing. Allele origin: unknown. Affected: yes. Observed: 1 heterozygote. Study: HCIFS-Postmortem genetic screening project. Not counted in ClinVar's aggregate classification.

Literature cited by the submitters: PubMed 19926015 (cited by 4 submitters); PubMed 22374134 (cited by 3 submitters); PubMed 22677073 (cited by Women's Health and Genetics/Laboratory Corporation of America, LabCorp and Ambry Genetics); PubMed 20157052 (cited by Women's Health and Genetics/Laboratory Corporation of America, LabCorp); PubMed 22515980 (cited by Women's Health and Genetics/Laboratory Corporation of America, LabCorp); PubMed 24025405 (cited by Women's Health and Genetics/Laboratory Corporation of America, LabCorp and Forensic Genetics Laboratory, Harris County Institute of Forensic Sciences); PubMed 28404607 (cited by Women's Health and Genetics/Laboratory Corporation of America, LabCorp); PubMed 27435932 (cited by 3 submitters); PubMed 28125075 (cited by Women's Health and Genetics/Laboratory Corporation of America, LabCorp); PubMed 27538377 (cited by Women's Health and Genetics/Laboratory Corporation of America, LabCorp); PubMed 29396286 (cited by Women's Health and Genetics/Laboratory Corporation of America, LabCorp); PubMed 28567303 (cited by Women's Health and Genetics/Laboratory Corporation of America, LabCorp and Laboratory for Molecular Medicine, Mass General Brigham Personalized Medicine); PubMed 32152366 (cited by Women's Health and Genetics/Laboratory Corporation of America, LabCorp); PubMed 30835254 (cited by Women's Health and Genetics/Laboratory Corporation of America, LabCorp); PubMed 30403697 (cited by Women's Health and Genetics/Laboratory Corporation of America, LabCorp and Ambry Genetics); PubMed 25370123 (cited by Ambry Genetics).

NM_001035.3(RYR2):c.3320C>T (p.Thr1107Met)

Gene: RYR2 (ryanodine receptor 2; plus strand). Cytogenetic location: 1q43.
Variant type: single nucleotide variant.
Coding change: c.3320C>T on transcript NM_001035.3 (MANE Select); coding-DNA position 3320, C replaced by T.
Protein change: p.Thr1107Met; replaces threonine 1107 with methionine.
Molecular consequence: missense variant.
Genome position (GRCh38, 1-based): chr1:237,566,672, C>T. VCF-style: chr1-237566672-C-T. GRCh37 (hg19) VCF-style: chr1-237729972-C-T.
Other names: p.T1107M:ACG>ATG; short protein forms T1107M.
Identifiers: ClinVar variation 43768 (VCV000043768.61), dbSNP rs200236750, ClinGen allele CA009188.